The following is an entry in ClinVar:

ClinVar aggregate classification (germline): Uncertain significance (1 of 4 stars; one submission).

Conditions:
Lymphatic malformation 6 (LMPHM6). Also called: GENERALIZED LYMPHATIC DYSPLASIA OF FOTIOU; Lymphedema, hereditary, III; PIEZO1-related generalized lymphatic dysplasia with non-immune hydrops fetalis. Identifiers: Orphanet 568062, MedGen C4225184, MONDO:0014797, OMIM 616843.

gnomAD v4.1: 16 of 1,550,344 alleles (0.001%); highest among the groups gnomAD compares: Admixed American, 0.012%; no homozygotes.

Submission:

Dasa
Classification: Uncertain significance for Lymphatic malformation 6. Last evaluated: 2025-11-09. Review status: criteria provided, single submitter. Criteria: DASA Assertion Criteria. Collection method: clinical testing. Allele origin: germline.
Comment: NM_001142864.4(PIEZO1):c.5875G>A (p.Asp1959Asn) is a missense variant that results in the substitution of aspartic acid with asparagine. This variant is rare in population databases. Computational prediction algorithms are consistent with a benign effect. The currently available literature and clinical evidence are not sufficient to establish a definitive association between this variant and the reported condition. Therefore, this variant is classified as a variant of uncertain significance.

NM_001142864.4(PIEZO1):c.5875G>A (p.Asp1959Asn)

Gene: PIEZO1 (piezo type mechanosensitive ion channel component 1 (Er blood group); minus strand). Cytogenetic location: 16q24.3.
Variant type: single nucleotide variant.
Coding change: c.5875G>A on transcript NM_001142864.4 (MANE Select); coding-DNA position 5875, G replaced by A.
Protein change: p.Asp1959Asn; replaces aspartic acid 1959 with asparagine.
Molecular consequence: missense variant.
Genome position (GRCh38, 1-based): chr16:88,720,459, C>T on the plus strand (G>A on the coding strand, the complement: PIEZO1 is on the minus strand). VCF-style: chr16-88720459-C-T. GRCh37 (hg19) VCF-style: chr16-88786867-C-T.
Other names: short protein forms D1959N.
Identifiers: ClinVar variation 4883266 (VCV004883266.2).